The following is an entry in ClinVar:

NM_004655.4(AXIN2):c.815+4A>G

Gene: AXIN2 (axin 2; minus strand). Cytogenetic location: 17q24.1.
Variant type: single nucleotide variant.
Coding change: c.815+4A>G on transcript NM_004655.4 (MANE Select); 4 bases into the intron after coding-DNA position 815, A replaced by G.
Molecular consequence: intron variant.
Genome position (GRCh38, 1-based): chr17:65,557,802, T>C on the plus strand (A>G on the coding strand, the complement: AXIN2 is on the minus strand). VCF-style: chr17-65557802-T-C. GRCh37 (hg19) VCF-style: chr17-63553920-T-C.
Other names: c.815+4A>G (LRG_296t1, NM_001363813.1).
Identifiers: ClinVar variation 324680 (VCV000324680.29), dbSNP rs565020131, ClinGen allele CA8718981.

ClinVar aggregate classification (germline): Conflicting classifications of pathogenicity. Review status: criteria provided, conflicting classifications (1 of 4 stars). 8 submissions from 8 submitters: Uncertain significance (1); Benign (3); Likely benign (4). Last evaluated 2026-06-28.

Conditions:
Hereditary cancer-predisposing syndrome. Also called: Hereditary Cancer Syndrome; Neoplastic Syndromes, Hereditary; Tumor predisposition; Hereditary neoplastic syndrome. Identifiers: Orphanet 140162, MedGen C0027672, MeSH D009386, MONDO:0015356.
AXIN2-related disorder.
Oligodontia-cancer predisposition syndrome. Also called: TOOTH AGENESIS-COLORECTAL CANCER SYNDROME. Identifiers: Orphanet 300576, MedGen C1837750, MONDO:0012075, OMIM 608615. Disease mechanism: loss of function.

Allele frequency attached by ClinVar (database versions not stated): gnomAD 0.00001 and 0.00005; TOPMed 0.00003; gnomAD exomes 0.00007; ExAC 0.00010; 1000 Genomes Project 30x 0.00016; 1000 Genomes Project 0.00020.
gnomAD v4.1: 103 of 1,614,128 alleles (0.0064%); highest among the groups gnomAD compares: East Asian, 0.2%; no homozygotes.

Submissions (9):

PreventionGenetics, part of Exact Sciences
Classification: Likely benign for AXIN2-related condition. Last evaluated: 2026-06-28. Review status: criteria provided, single submitter. Criteria: ACMG Guidelines, 2015. Collection method: clinical testing. Allele origin: germline.
Comment: This variant is classified as likely benign based on ACMG/AMP sequence variant interpretation guidelines (Richards et al. 2015 PMID: 25741868, with internal and published modifications).

Labcorp Genetics (formerly Invitae), Labcorp
Classification: Likely benign for Oligodontia-cancer predisposition syndrome. Last evaluated: 2026-02-03. Review status: criteria provided, single submitter. Criteria: Invitae Variant Classification Sherloc (09022015). Collection method: clinical testing. Allele origin: germline.

GeneDx
Classification: Uncertain significance. Last evaluated: 2025-03-17. Review status: criteria provided, single submitter. Criteria: GeneDx Variant Classification Process June 2021. Collection method: clinical testing. Allele origin: germline. Affected: yes.
Comment: In silico analysis indicates that this variant does not alter splicing; Has not been previously published as pathogenic or benign to our knowledge

Center for Genomic Medicine, Rigshospitalet, Copenhagen University Hospital
Classification: Likely benign. Last evaluated: 2025-03-04. Review status: criteria provided, single submitter. Criteria: ACMG Guidelines, 2015. Collection method: clinical testing. Allele origin: germline.

Quest Diagnostics Nichols Institute San Juan Capistrano
Classification: Benign. Last evaluated: 2025-01-02. Review status: criteria provided, single submitter. Criteria: Quest Diagnostics criteria. Collection method: clinical testing. Allele origin: unknown.

Ambry Genetics
Classification: Benign for Hereditary cancer-predisposing syndrome. Last evaluated: 2023-08-17. Review status: criteria provided, single submitter. Criteria: Ambry Variant Classification Scheme 2023. Collection method: clinical testing. Allele origin: germline.

Sema4
Classification: Likely benign for Hereditary cancer-predisposing syndrome. Last evaluated: 2022-02-18. Review status: criteria provided, single submitter. Criteria: Sema4 Curation Guidelines. Collection method: curation. Allele origin: germline.

Illumina Laboratory Services, Illumina
Classification: Benign for Oligodontia-cancer predisposition syndrome. Last evaluated: 2018-01-13. Review status: criteria provided, single submitter. Criteria: ICSL Variant Classification Criteria 13 December 2019. Collection method: clinical testing. Allele origin: germline.
Comment: This variant was observed in the ICSL laboratory as part of a predisposition screen in an ostensibly healthy population. It had not been previously curated by ICSL or reported in the Human Gene Mutation Database (HGMD: prior to June 1st, 2018), and was therefore a candidate for classification through an automated scoring system. Utilizing variant allele frequency, disease prevalence and penetrance estimates, and inheritance mode, an automated score was calculated to assess if this variant is too frequent to cause the disease. Based on the score and internal cut-off values, a variant classified as benign is not then subjected to further curation. The score for this variant resulted in a classification of benign for this disease.

Dr. Peter K. Rogan Lab, Western University
No classification provided (evidence only). Condition: Gastric cancer. Review status: no classification provided. Collection method: in vitro. Allele origin: not applicable. Functional consequence: retained intron. Not counted in ClinVar's aggregate classification.